The following is an entry in ClinVar:

ClinVar aggregate classification (germline): Likely benign. Review status: criteria provided, single submitter (1 of 4 stars). 2 submissions from 2 submitters: Likely benign (1). 1 of the submissions does not count toward it. Last evaluated 2024-03-08.

Conditions:
TSHR-related disorder. Also called: TSHR-related condition; TSHR-related disorders.

Allele frequency attached by ClinVar (database versions not stated): ExAC 0.00012.
gnomAD v4.1: 84 of 1,613,960 alleles (0.0052%); highest among the groups gnomAD compares: Admixed American, 0.073%; no homozygotes.

Submissions (2):

Labcorp Genetics (formerly Invitae), Labcorp
Classification: Likely benign. Last evaluated: 2024-03-08. Review status: criteria provided, single submitter. Criteria: Invitae Variant Classification Sherloc (09022015). Collection method: clinical testing. Allele origin: germline.

PreventionGenetics, part of Exact Sciences
Classification: Likely benign for TSHR-related condition. Last evaluated: 2019-06-04. Review status: no assertion criteria provided. Collection method: clinical testing. Allele origin: germline. Not counted in ClinVar's aggregate classification.
Comment: This variant is classified as likely benign based on ACMG/AMP sequence variant interpretation guidelines (Richards et al. 2015 PMID: 25741868, with internal and published modifications).

NM_000369.5(TSHR):c.495G>A (p.Thr165=)

Genes: TSHR (thyroid stimulating hormone receptor; plus strand), TSHR-AS1 (TSHR antisense RNA 1; minus strand). Cytogenetic location: 14q31.1.
Variant type: single nucleotide variant.
Coding change: c.495G>A on transcript NM_000369.5 (MANE Select); coding-DNA position 495, G replaced by A.
Protein change: p.Thr165=; no amino-acid change (threonine 165 retained).
Molecular consequence: synonymous variant.
Genome position (GRCh38, 1-based): chr14:81,092,558, G>A. VCF-style: chr14-81092558-G-A. GRCh37 (hg19) VCF-style: chr14-81558902-G-A.
Other names: c.495G>A, p.Thr165= (NM_001018036.3, NM_001142626.3).
Identifiers: ClinVar variation 3018999 (VCV003018999.5), dbSNP rs773757026, ClinGen allele CA7294165.
Genomic context (GRCh38, chr14:81,092,558, plus strand): 5'-TTCATTAAGTGTTTTTGTCCCTCTCTCTTGCAGTGAAATTACAGACAACCCTTACATGAC[G>A]TCAATCCCTGTGAATGCTTTTCAGGGACTATGCAATGAAACCTTGACACTGTGAGTATTA-3'
Protein context (NP_000360.2, residues 155-175): ILEITDNPYM[Thr165=]SIPVNAFQGL